The following is an entry in ClinVar:

ClinVar aggregate classification (germline): Uncertain significance (1 of 4 stars; one submission).

Conditions:
X-linked Alport syndrome (ATS1). Also called: COL4A5-Related Nephropathy; NEPHROPATHY AND DEAFNESS, X-LINKED. Identifiers: Orphanet 63, Orphanet 88917, MedGen C4746986, MONDO:0010520, OMIM 301050.

Submission:

Department of Nephrology, Rheumatology and Immunology, Shanghai Children's Hospital
Classification: Uncertain significance for X-linked Alport syndrome. Last evaluated: 2022-04-23. Review status: criteria provided, single submitter. Criteria: ACMG Guidelines, 2015. Collection method: clinical testing. Allele origin: maternal. Affected: yes. Observed: 1 variant allele.
Comment: The NM_000495.5(COL4A5):c.4975A>G (p.Ser1659Gly) is a missense variant in COL4A5. This variant is reported to have an extremely low frequency in the gnomAD v3.1.2 (GRCh38) population database (PM2). Computational tools, including SIFT and PolyPhen, predict this variant to be tolerated; therefore, PP3 was not applied. In summary, this variant meets criteria to be classified as Uncertain Significance for Alport syndrome based on the ACMG/AMP 2015 criteria applied: PM2, PP1, PP4.

NM_033380.3(COL4A5):c.4993A>G (p.Ser1665Gly)

Gene: COL4A5 (collagen type IV alpha 5 chain; plus strand). Cytogenetic location: Xq22.3.
Variant type: single nucleotide variant.
Coding change: c.4993A>G on transcript NM_033380.3 (MANE Select); coding-DNA position 4993, A replaced by G.
Protein change: p.Ser1665Gly; replaces serine 1665 with glycine.
Molecular consequence: missense variant.
Genome position (GRCh38, 1-based): chrX:108,695,438, A>G. VCF-style: chrX-108695438-A-G. GRCh37 (hg19) VCF-style: chrX-107938668-A-G.
Other names: c.4975A>G, p.Ser1659Gly (NM_000495.5); short protein forms S1659G, S1665G.
Identifiers: ClinVar variation 4796724 (VCV004796724.1).